The following is an entry in ClinVar:

NM_031935.3(HMCN1):c.4501G>C (p.Val1501Leu)

Gene: HMCN1 (hemicentin 1; plus strand). Cytogenetic location: 1q31.1.
Variant type: single nucleotide variant.
Coding change: c.4501G>C on transcript NM_031935.3 (MANE Select); coding-DNA position 4501, G replaced by C.
Protein change: p.Val1501Leu; replaces valine 1501 with leucine.
Molecular consequence: missense variant.
Genome position (GRCh38, 1-based): chr1:186,007,153, G>C. VCF-style: chr1-186007153-G-C. GRCh37 (hg19) VCF-style: chr1-185976285-G-C.
Other names: short protein forms V1501L.
Identifiers: ClinVar variation 4754461 (VCV004754461.1).
Genomic context (GRCh38, chr1:186,007,153, plus strand): 5'-AATAGACCCATGGAATAAAGTTTTATTTTTTCTAGGCCTTTATTTTTGGGCGATCCTAAT[G>C]TTGAACTTCTAGACAGAGGACAAGTCTTACATTTAAAGAATGCACGGAGAAATGACAAGG-3'
Protein context (NP_114141.2, residues 1491-1511): GKPLFLGDPN[Val1501Leu]ELLDRGQVLH

ClinVar aggregate classification (germline): Uncertain significance (1 of 4 stars; one submission).

Submission:

Labcorp Genetics (formerly Invitae), Labcorp
Classification: Uncertain significance. Last evaluated: 2025-11-01. Review status: criteria provided, single submitter. Criteria: Invitae Variant Classification Sherloc (09022015). Collection method: clinical testing. Allele origin: germline.
Comment: This sequence change replaces valine, which is neutral and non-polar, with leucine, which is neutral and non-polar, at codon 1501 of the HMCN1 protein (p.Val1501Leu). This variant is not present in population databases (gnomAD no frequency). This variant has not been reported in the literature in individuals affected with HMCN1-related conditions. An algorithm developed to predict the effect of missense changes on protein structure and function (PolyPhen-2) suggests that this variant is likely to be tolerated. In summary, the available evidence is currently insufficient to determine the role of this variant in disease. Therefore, it has been classified as a Variant of Uncertain Significance.